The following is an entry in ClinVar:

NM_000400.4(ERCC2):c.1018G>C (p.Val340Leu)

Gene: ERCC2 (ERCC excision repair 2, TFIIH core complex helicase subunit; minus strand). Cytogenetic location: 19q13.32.
Variant type: single nucleotide variant.
Coding change: c.1018G>C on transcript NM_000400.4 (MANE Select); coding-DNA position 1018, G replaced by C.
Protein change: p.Val340Leu; replaces valine 340 with leucine.
Molecular consequence: missense variant.
Genome position (GRCh38, 1-based): chr19:45,363,843, C>G on the plus strand (G>C on the coding strand, the complement: ERCC2 is on the minus strand). VCF-style: chr19-45363843-C-G. GRCh37 (hg19) VCF-style: chr19-45867101-C-G.
Other names: c.1018G>C (NM_000400.3); c.946G>C, p.Val316Leu (NM_001130867.2); short protein forms V340L, V316L.
Identifiers: ClinVar variation 1446207 (VCV001446207.9), dbSNP rs1421106193, ClinGen allele CA406372743.

ClinVar aggregate classification (germline): Uncertain significance. Review status: criteria provided, multiple submitters, no conflicts (2 of 4 stars). 2 submissions from 2 submitters: Uncertain significance (2). Last evaluated 2024-02-17.

Conditions:
Inborn genetic diseases. Identifiers: MedGen C0950123, MeSH D030342.

Allele frequency attached by ClinVar (database versions not stated): TOPMed below 0.00001.

Submissions (2):

Labcorp Genetics (formerly Invitae), Labcorp
Classification: Uncertain significance. Last evaluated: 2024-02-17. Review status: criteria provided, single submitter. Criteria: Invitae Variant Classification Sherloc (09022015). Collection method: clinical testing. Allele origin: germline.
Comment: This sequence change replaces valine, which is neutral and non-polar, with leucine, which is neutral and non-polar, at codon 340 of the ERCC2 protein (p.Val340Leu). This variant is not present in population databases (gnomAD no frequency). This variant has not been reported in the literature in individuals affected with ERCC2-related conditions. ClinVar contains an entry for this variant (Variation ID: 1446207). Advanced modeling of protein sequence and biophysical properties (such as structural, functional, and spatial information, amino acid conservation, physicochemical variation, residue mobility, and thermodynamic stability) performed at Invitae indicates that this missense variant is not expected to disrupt ERCC2 protein function with a negative predictive value of 80%. In summary, the available evidence is currently insufficient to determine the role of this variant in disease. Therefore, it has been classified as a Variant of Uncertain Significance.

Ambry Genetics
Classification: Uncertain significance for Inborn genetic diseases. Last evaluated: 2024-02-10. Review status: criteria provided, single submitter. Criteria: Ambry Variant Classification Scheme 2023. Collection method: clinical testing. Allele origin: germline.
Comment: The p.V340L variant (also known as c.1018G>C), located in coding exon 11 of the ERCC2 gene, results from a G to C substitution at nucleotide position 1018. The valine at codon 340 is replaced by leucine, an amino acid with highly similar properties. This amino acid position is conserved. In addition, this alteration is predicted to be tolerated by in silico analysis. Based on the available evidence, the clinical significance of this alteration remains unclear.